The following is an entry in ClinVar:

NM_004415.4(DSP):c.7835C>T (p.Thr2612Ile)

Gene: DSP (desmoplakin; plus strand). Cytogenetic location: 6p24.3.
Variant type: single nucleotide variant.
Coding change: c.7835C>T on transcript NM_004415.4 (MANE Select); coding-DNA position 7835, C replaced by T.
Protein change: p.Thr2612Ile; replaces threonine 2612 with isoleucine.
Molecular consequence: missense variant.
Genome position (GRCh38, 1-based): chr6:7,585,097, C>T. VCF-style: chr6-7585097-C-T. GRCh37 (hg19) VCF-style: chr6-7585330-C-T.
Other names: c.6038C>T, p.Thr2013Ile (NM_001008844.3); c.6506C>T, p.Thr2169Ile (NM_001319034.2); short protein forms T2013I, T2169I, T2612I.
Identifiers: ClinVar variation 4015124 (VCV004015124.2).
Genomic context (GRCh38, chr6:7,585,097, plus strand): 5'-AGATTTCCACCATATCCAGCGTCAGGAATTTAACCATAAGGAGCAGCTCTTTTTCAGACA[C>T]CCTGGAAGAATCGAGCCCCATTGCAGCCATCTTTGACACAGAAAACCTGGAGAAAATCTC-3'
Protein context (NP_004406.2, residues 2602-2622): LTIRSSSFSD[Thr2612Ile]LEESSPIAAI

ClinVar aggregate classification (germline): Uncertain significance (1 of 4 stars; one submission).

Conditions:
Cardiovascular phenotype. Identifiers: MedGen CN230736.

Submission:

Ambry Genetics
Classification: Uncertain significance for Cardiovascular phenotype. Last evaluated: 2026-09-11. Review status: criteria provided, single submitter. Criteria: Ambry Variant Classification Scheme 2023. Collection method: clinical testing. Allele origin: germline.
Comment: The p.T2612I variant (also known as c.7835C>T), located in coding exon 24 of the DSP gene, results from a C to T substitution at nucleotide position 7835. The threonine at codon 2612 is replaced by isoleucine, an amino acid with similar properties. This amino acid position is conserved. In addition, this alteration is predicted to be tolerated by in silico analysis. Based on the available evidence, the clinical significance of this variant remains unclear.